The following is an entry in ClinVar:

ClinVar aggregate classification (germline): Uncertain significance (1 of 4 stars; one submission).

Allele frequency attached by ClinVar (database versions not stated): ExAC 0.00002; TOPMed 0.00001.
gnomAD v4.1: 4 of 1,612,742 alleles (0.00025%); highest among the groups gnomAD compares: Admixed American, 0.0033%; no homozygotes.

Submission:

Labcorp Genetics (formerly Invitae), Labcorp
Classification: Uncertain significance. Last evaluated: 2025-12-09. Review status: criteria provided, single submitter. Criteria: Invitae Variant Classification Sherloc (09022015). Collection method: clinical testing. Allele origin: germline.
Comment: This sequence change replaces leucine, which is neutral and non-polar, with tryptophan, which is neutral and slightly polar, at codon 237 of the DDX58 protein (p.Leu237Trp). This variant is present in population databases (rs772834071, gnomAD 0.009%). This variant has not been reported in the literature in individuals affected with DDX58-related conditions. ClinVar contains an entry for this variant (Variation ID: 2968260). Invitae Evidence Modeling of protein sequence and biophysical properties (such as structural, functional, and spatial information, amino acid conservation, physicochemical variation, residue mobility, and thermodynamic stability) indicates that this missense variant is not expected to disrupt DDX58 protein function with a negative predictive value of 80%. In summary, the available evidence is currently insufficient to determine the role of this variant in disease. Therefore, it has been classified as a Variant of Uncertain Significance.

NM_014314.4(RIGI):c.710T>G (p.Leu237Trp)

Gene: RIGI (RNA sensor RIG-I; minus strand). Cytogenetic location: 9p21.1.
Variant type: single nucleotide variant.
Coding change: c.710T>G on transcript NM_014314.4 (MANE Select); coding-DNA position 710, T replaced by G.
Protein change: p.Leu237Trp; replaces leucine 237 with tryptophan.
Molecular consequence: missense variant.
Genome position (GRCh38, 1-based): chr9:32,489,433, A>C on the plus strand (T>G on the coding strand, the complement: RIGI is on the minus strand). VCF-style: chr9-32489433-A-C. GRCh37 (hg19) VCF-style: chr9-32489431-A-C.
Other names: c.710T>G, p.Leu237Trp (NM_001385907.1, NM_001385909.1); c.269T>G, p.Leu90Trp (NM_001385910.1); c.101T>G, p.Leu34Trp (NM_001385912.1); c.695T>G, p.Leu232Trp (NM_001385913.1); c.266T>G, p.Leu89Trp (NM_001385914.1); short protein forms L34W, L232W, L237W, L90W, L89W.
Identifiers: ClinVar variation 2968260 (VCV002968260.3), dbSNP rs772834071, ClinGen allele CA5020003.
Genomic context (GRCh38, chr9:32,489,433, plus strand): 5'-CCTTTCATAGCAGGCAAAGCAAGCTCTAATTGGTAATTTCTTGGTTTAAATGGGCTGTAC[A>C]AGTTTGTATCAGACACTTCTGGAATACAAAAGGAGCAAAATTACCAAACAGTTCCTGCTC-3'
Protein context (NP_055129.2, residues 227-247): CPPSEVSDTN[Leu237Trp]YSPFKPRNYQ